The following is an entry in ClinVar:

NM_001135649.3(FOXI3):c.446C>T (p.Ser149Leu)

Gene: FOXI3 (forkhead box I3; minus strand). Cytogenetic location: 2p11.2.
Variant type: single nucleotide variant.
Coding change: c.446C>T on transcript NM_001135649.3 (MANE Select); coding-DNA position 446, C replaced by T.
Protein change: p.Ser149Leu; replaces serine 149 with leucine.
Molecular consequence: missense variant.
Genome position (GRCh38, 1-based): chr2:88,452,090, G>A on the plus strand (C>T on the coding strand, the complement: FOXI3 is on the minus strand). VCF-style: chr2-88452090-G-A. GRCh37 (hg19) VCF-style: chr2-88751609-G-A.
Other names: short protein forms S149L.
Identifiers: ClinVar variation 2791637 (VCV002791637.3), dbSNP rs2528916530, ClinGen allele CA347766329.

ClinVar aggregate classification (germline): Uncertain significance (1 of 4 stars; one submission).

Submission:

Labcorp Genetics (formerly Invitae), Labcorp
Classification: Uncertain significance. Last evaluated: 2023-09-17. Review status: criteria provided, single submitter. Criteria: Invitae Variant Classification Sherloc (09022015). Collection method: clinical testing. Allele origin: germline.
Comment: In summary, the available evidence is currently insufficient to determine the role of this variant in disease. Therefore, it has been classified as a Variant of Uncertain Significance. Experimental studies and prediction algorithms are not available or were not evaluated, and the functional significance of this variant is currently unknown. This variant has not been reported in the literature in individuals affected with FOXI3-related conditions. This variant is not present in population databases (gnomAD no frequency). This sequence change replaces serine, which is neutral and polar, with leucine, which is neutral and non-polar, at codon 149 of the FOXI3 protein (p.Ser149Leu).